The following is an entry in ClinVar:

ClinVar aggregate classification (germline): Pathogenic (1 of 4 stars; one submission).

Submission:

CeGaT Center for Human Genetics Tuebingen
Classification: Pathogenic. Last evaluated: 2022-08-01. Review status: criteria provided, single submitter. Criteria: CeGaT Center For Human Genetics Tuebingen Variant Classification Criteria Version 2. Collection method: clinical testing. Allele origin: germline. Affected: yes. Observed: 2 variant alleles.
Comment: DNMT3A: PVS1, PM2

NM_022552.5(DNMT3A):c.1555-1G>T

Gene: DNMT3A (DNA methyltransferase 3 alpha; minus strand). Cytogenetic location: 2p23.3.
Variant type: single nucleotide variant.
Coding change: c.1555-1G>T on transcript NM_022552.5 (MANE Select); the canonical splice acceptor site of the intron before coding-DNA position 1555, G replaced by T.
Molecular consequence: splice acceptor variant.
Genome position (GRCh38, 1-based): chr2:25,244,653, C>A on the plus strand (G>T on the coding strand, the complement: DNMT3A is on the minus strand). VCF-style: chr2-25244653-C-A. GRCh37 (hg19) VCF-style: chr2-25467522-C-A.
Other names: c.1555-1G>T (NM_175629.2); c.988-1G>T (NM_153759.3); c.1099-1G>T (NM_001320893.1); c.886-1G>T (NM_001375819.1).
Identifiers: ClinVar variation 1711493 (VCV001711493.30), dbSNP rs759936287, ClinGen allele CA346072313.